The following is an entry in ClinVar:

NM_001038603.3(MARVELD2):c.*1C>T

Gene: MARVELD2 (MARVEL domain containing 2; plus strand). Cytogenetic location: 5q13.2.
Variant type: single nucleotide variant.
Coding change: c.*1C>T on transcript NM_001038603.3 (MANE Select); 1 bases downstream of the stop codon, C replaced by T.
Molecular consequence: 3 prime UTR variant.
Genome position (GRCh38, 1-based): chr5:69,441,655, C>T. VCF-style: chr5-69441655-C-T. GRCh37 (hg19) VCF-style: chr5-68737482-C-T.
Other names: c.*1C>T (NM_001244734.2).
Identifiers: ClinVar variation 228850 (VCV000228850.4), dbSNP rs570049997, ClinGen allele CA3294331.
Genomic context (GRCh38, chr5:69,441,655, plus strand): 5'-AAGCAAAGAATTCAAGAATATGATAAAGTAATGAATTGGGATGTACAAGGTTATTCTTAA[C>T]GCTTATTTGAAACCACTTTATTTTTTTATTTTATTTTATTTTTTTGAGATGAAGTCTCGC-3'

ClinVar aggregate classification (germline): Uncertain significance (1 of 4 stars; one submission).

Allele frequency attached by ClinVar (database versions not stated): gnomAD 0.00002 and 0.00003; TOPMed 0.00003; gnomAD exomes 0.00006; ExAC 0.00007; 1000 Genomes Project 30x 0.00016; 1000 Genomes Project 0.00020.
gnomAD v4.1: 30 of 1,553,488 alleles (0.0019%); highest among the groups gnomAD compares: Admixed American, 0.015%; no homozygotes.

Submission:

Laboratory for Molecular Medicine, Mass General Brigham Personalized Medicine
Classification: Uncertain significance. Last evaluated: 2016-01-26. Review status: criteria provided, single submitter. Criteria: LMM Criteria. Collection method: clinical testing. Allele origin: germline. Observed: 1 variant allele.
Comment: The c.*1C>T variant in MARVELD2 has not been previously reported in ndividuals w ith hearing loss. This variant has been identified in 8/118894 of the total chro mosomes from several populations by the Exome Aggregation Consortium (ExAC; dbSNP rs570049997). Although this variant has been seen in the general population, its frequency is not high enough to rule out a p athogenic role. This variant is in the 3' untranslated region (UTR). The nucle otide at this position is not conserved through species; however, this informati on does not provide strong support for or against an impact to the protein. In s ummary, the clinical significance of the c.*1C>T variant is uncertain.